The following is an entry in ClinVar:

ClinVar aggregate classification (germline): Uncertain significance (1 of 4 stars; one submission).

Conditions:
Rubinstein-Taybi syndrome due to EP300 haploinsufficiency. Also called: RUBINSTEIN-TAYBI SYNDROME 2; EP300-Related Rubinstein-Taybi Syndrome. Identifiers: Orphanet 353284, Orphanet 783, MedGen C3150941, MONDO:0013364, OMIM 613684.

gnomAD v4.1: 2 of 1,613,910 alleles (0.00012%); highest among the groups gnomAD compares: Non-Finnish European, 0.00017%; no homozygotes.

Submission:

Labcorp Genetics (formerly Invitae), Labcorp
Classification: Uncertain significance for Rubinstein-Taybi syndrome due to EP300 haploinsufficiency. Last evaluated: 2024-03-26. Review status: criteria provided, single submitter. Criteria: Invitae Variant Classification Sherloc (09022015). Collection method: clinical testing. Allele origin: germline.
Comment: This sequence change replaces asparagine, which is neutral and polar, with isoleucine, which is neutral and non-polar, at codon 2357 of the EP300 protein (p.Asn2357Ile). This variant is present in population databases (rs147304540, gnomAD 0.002%). This variant has not been reported in the literature in individuals affected with EP300-related conditions. Advanced modeling of protein sequence and biophysical properties (such as structural, functional, and spatial information, amino acid conservation, physicochemical variation, residue mobility, and thermodynamic stability) performed at Invitae indicates that this missense variant is not expected to disrupt EP300 protein function with a negative predictive value of 80%. In summary, the available evidence is currently insufficient to determine the role of this variant in disease. Therefore, it has been classified as a Variant of Uncertain Significance.

NM_001429.4(EP300):c.7070A>T (p.Asn2357Ile)

Gene: EP300 (EP300 lysine acetyltransferase; plus strand). Cytogenetic location: 22q13.2.
Variant type: single nucleotide variant.
Coding change: c.7070A>T on transcript NM_001429.4 (MANE Select); coding-DNA position 7070, A replaced by T.
Protein change: p.Asn2357Ile; replaces asparagine 2357 with isoleucine.
Molecular consequence: missense variant.
Genome position (GRCh38, 1-based): chr22:41,178,781, A>T. VCF-style: chr22-41178781-A-T. GRCh37 (hg19) VCF-style: chr22-41574785-A-T.
Other names: c.6992A>T, p.Asn2331Ile (NM_001362843.2); short protein forms N2331I, N2357I.
Identifiers: ClinVar variation 3702913 (VCV003702913.2).